The following is an entry in ClinVar:

NM_001282680.3(GAPVD1):c.2898C>T (p.Ser966=)

Gene: GAPVD1 (GTPase activating protein and VPS9 domains 1; plus strand). Cytogenetic location: 9q33.3.
Variant type: single nucleotide variant.
Coding change: c.2898C>T on transcript NM_001282680.3 (MANE Select); coding-DNA position 2898, C replaced by T.
Protein change: p.Ser966=; no amino-acid change (serine 966 retained).
Molecular consequence: synonymous variant. On other transcripts: non-coding transcript variant (2).
Genome position (GRCh38, 1-based): chr9:125,341,197, C>T. VCF-style: chr9-125341197-C-T. GRCh37 (hg19) VCF-style: chr9-128103476-C-T.
Other names: c.2898C>T, p.Ser966= (NM_001282679.2, NM_001330778.3, NM_001354294.2 and 4 more transcripts); c.2835C>T, p.Ser945= (NM_001282681.3, NM_001330777.3, NM_001354297.2 and 1 more transcripts); c.2979C>T, p.Ser993= (NM_001354298.2, NM_015635.4).
Identifiers: ClinVar variation 791574 (VCV000791574.24), dbSNP rs11794365, ClinGen allele CA5240568.

ClinVar aggregate classification (germline): Benign. Review status: criteria provided, multiple submitters, no conflicts (2 of 4 stars). 3 submissions from 3 submitters: Benign (3). Last evaluated 2025-05-01.

Allele frequency attached by ClinVar (database versions not stated): 1000 Genomes Project 30x 0.00203; 1000 Genomes Project 0.00240; TOPMed 0.00756; gnomAD exomes 0.00835; gnomAD 0.00873 and 0.00907; ExAC 0.00892; ESP Exome Variant Server 0.01038.
gnomAD v4.1: 18,490 of 1,598,398 alleles (1.2%); highest among the groups gnomAD compares: Non-Finnish European, 1.4%; 142 homozygotes.

Submissions (3):

CeGaT Center for Human Genetics Tuebingen
Classification: Benign. Last evaluated: 2025-05-01. Review status: criteria provided, single submitter. Criteria: CeGaT Center For Human Genetics Tuebingen Variant Classification Criteria Version 2. Collection method: clinical testing. Allele origin: germline. Affected: yes. Observed: 4 variant alleles.
Comment: GAPVD1: BP4, BP7, BS1, BS2

Labcorp Genetics (formerly Invitae), Labcorp
Classification: Benign. Last evaluated: 2018-04-16. Review status: criteria provided, single submitter. Criteria: Invitae Variant Classification Sherloc (09022015). Collection method: clinical testing. Allele origin: germline.

Breakthrough Genomics
Classification: Benign. Review status: criteria provided, single submitter. Criteria: ACMG Guidelines, 2015. Collection method: not provided. Allele origin: germline. Inheritance: Unknown mechanism. Affected: yes.